The following is an entry in ClinVar:

ClinVar aggregate classification (germline): Pathogenic (1 of 4 stars; one submission).

Conditions:
Deafness, autosomal dominant.

Submission:

King Laboratory, University of Washington
Classification: Pathogenic for Deafness, autosomal dominant. Last evaluated: 2023-02-28. Review status: criteria provided, single submitter. Criteria: Li et al. (Genet Med. 2022). Collection method: research. Allele origin: unknown. Affected: yes.
Comment: This variant is a single base pair insertion that causes a frameshift leading to the addition of 173 incorrect amino acids and protein truncation. As of January 2023, this variant has not been reported to ClinVar and is not found on gnomAD. Based on the prediction that this variant leads to a truncated protein and goodness of fit of genotype to phenotype, we conclude that this variant is pathogenic.

Literature cited by the submitters: PubMed 36633841.

NM_001002295.2(GATA3):c.393dup (p.Val132fs)

Gene: GATA3 (GATA binding protein 3; plus strand). Cytogenetic location: 10p14.
Variant type: Duplication.
Coding change: c.393dup on transcript NM_001002295.2 (MANE Select); coding-DNA position 393, one base duplicated (C; older notation c.393dupC).
Protein change: p.Val132fs; shifts the reading frame from valine 132.
Molecular consequence: frameshift variant.
Genome position (GRCh38, 1-based): chr10:8,058,456, C duplicated; the last of 2 consecutive C bases (chr10:8,058,455-8,058,456); duplicating either gives the same sequence. VCF-style (leftmost placement, unchanged base first): chr10-8058454-T-TC. GRCh37 (hg19) VCF-style: chr10-8100417-T-TC.
Other names: c.393dup, p.Val132fs (NM_002051.3); c.392dupC (NM_001002295.2); short protein forms V132fs.
Identifiers: ClinVar variation 2445650 (VCV002445650.1), dbSNP rs2491461355, ClinGen allele CA2580081313.